The following is an entry in ClinVar:

NM_001254.4(CDC6):c.1249T>C (p.Cys417Arg)

Gene: CDC6 (cell division cycle 6; plus strand). Cytogenetic location: 17q21.2.
Variant type: single nucleotide variant.
Coding change: c.1249T>C on transcript NM_001254.4 (MANE Select); coding-DNA position 1249, T replaced by C.
Protein change: p.Cys417Arg; replaces cysteine 417 with arginine.
Molecular consequence: missense variant.
Genome position (GRCh38, 1-based): chr17:40,296,767, T>C. VCF-style: chr17-40296767-T-C. GRCh37 (hg19) VCF-style: chr17-38453019-T-C.
Other names: short protein forms C417R.
Identifiers: ClinVar variation 1397107 (VCV001397107.6), dbSNP rs2143096889, ClinGen allele CA399333579.

ClinVar aggregate classification (germline): Uncertain significance (1 of 4 stars; one submission).

Allele frequency attached by ClinVar (database versions not stated): gnomAD exomes below 0.00001.
gnomAD v4.1: 1 of 1,581,092 alleles (0.000063%); highest among the groups gnomAD compares: South Asian, 0.0011%; no homozygotes.

Submission:

Labcorp Genetics (formerly Invitae), Labcorp
Classification: Uncertain significance. Last evaluated: 2025-06-09. Review status: criteria provided, single submitter. Criteria: Invitae Variant Classification Sherloc (09022015). Collection method: clinical testing. Allele origin: germline.
Comment: This sequence change replaces cysteine, which is neutral and slightly polar, with arginine, which is basic and polar, at codon 417 of the CDC6 protein (p.Cys417Arg). This variant is not present in population databases (gnomAD no frequency). This variant has not been reported in the literature in individuals affected with CDC6-related conditions. ClinVar contains an entry for this variant (Variation ID: 1397107). An algorithm developed to predict the effect of missense changes on protein structure and function outputs the following: PolyPhen-2: "Benign". The arginine amino acid residue is found in multiple mammalian species, which suggests that this missense change does not adversely affect protein function. In summary, the available evidence is currently insufficient to determine the role of this variant in disease. Therefore, it has been classified as a Variant of Uncertain Significance.